The following is an entry in ClinVar:

NM_000552.5(VWF):c.3686T>G (p.Val1229Gly)

Gene: VWF (von Willebrand factor; minus strand). Cytogenetic location: 12p13.31.
Variant type: single nucleotide variant.
Coding change: c.3686T>G on transcript NM_000552.5 (MANE Select); coding-DNA position 3686, T replaced by G.
Protein change: p.Val1229Gly; replaces valine 1229 with glycine.
Molecular consequence: missense variant.
Genome position (GRCh38, 1-based): chr12:6,019,732, A>C on the plus strand (T>G on the coding strand, the complement: VWF is on the minus strand). VCF-style: chr12-6019732-A-C. GRCh37 (hg19) VCF-style: chr12-6128898-A-C.
Other names: p.V1229G; NM_000552.5(VWF):c.3686T>G; c.3686T>G (NM_000552.4); short protein forms V1229G.
Identifiers: ClinVar variation 100274 (VCV000100274.37), dbSNP rs61749367, ClinGen allele CA228433.

ClinVar aggregate classification (germline): Likely benign. Review status: reviewed by expert panel (3 of 4 stars). 15 submissions from 13 submitters: Likely benign (1). 14 of the submissions do not count toward it. Last evaluated 2024-08-12.

Conditions:
von Willebrand disease type 2 (VWD2). Also called: VON WILLEBRAND DISEASE, TYPE II; VWD, TYPE 2; VON WILLEBRAND DISEASE, TYPE 2A/IIE; VON WILLEBRAND DISEASE, TYPE 2CB. Identifiers: Orphanet 166081, Orphanet 903, MedGen C1264040, MONDO:0013304, OMIM 613554.
Hereditary von Willebrand disease. Identifiers: Orphanet 903, MedGen C5703318, MONDO:0019565. Inheritance: Autosomal recessive or Autosomal dominant.
Abnormality of coagulation. Identifiers: MedGen C1846821, HP:0001928.
von Willebrand disease type 1 (VWD1). Also called: VON WILLEBRAND DISEASE, TYPE I; VWD, TYPE 1. Identifiers: Orphanet 166078, Orphanet 903, MedGen C1264039, MONDO:0008668, OMIM 193400. Inheritance: autosomal recessive or autosomal dominant.
von Willebrand disease type 3 (VWD3). Also called: Type 3 Von Willebrand's disease; Type 3 VWD; Von Willebrand disease, severe form; V WD3; VON WILLEBRAND DISEASE, TYPE III. Identifiers: Orphanet 166096, MedGen C1264041, MONDO:0010191, OMIM 277480.

Allele frequency attached by ClinVar (database versions not stated): 1000 Genomes Project 30x 0.00984; ESP Exome Variant Server 0.00092; gnomAD exomes 0.00157 and 0.00174; ExAC 0.00239; gnomAD 0.00646 and 0.00656; TOPMed 0.00703; 1000 Genomes Project 0.00899.
gnomAD v4.1: 3,603 of 1,610,354 alleles (0.22%); highest among the groups gnomAD compares: African/African-American, 1.6%; 17 homozygotes.

Submissions (15):

ClinGen von Willebrand Disease Variant Curation Expert Panel, ClinGen
Classification: Likely benign for Hereditary von Willebrand disease. Last evaluated: 2024-08-12. Review status: reviewed by expert panel. Criteria: ClinGen VWD 2A B M Rules. Collection method: curation. Allele origin: germline.
Comment: NM_000552.5(VWF):c.3686T>G is a missense variant encoding a substitution of valine by glycine at position 1229. It has been reported in at least seven probands, two of whom have a phenotype specific for VWD Type 2B and one of whom has a phenotype specific for VWD Type 2M (PMID: 8134377, PMID: 17190853, PMID: 31064749, PMID: 16115133). However, the phenotypes are not consistent, and other variants present in cis or in trans are suspected to be disease-causing. At least one patient with this variant displayed excessive mucocutaneous bleeding as well as a laboratory phenotypes of loss of high molecular weight multimers and increased ristocetin-induced platelet aggregation showing gain of function, which together are highly specific for VWD type 2B (PMID: 8134377, PMID: 2657729). Although three other genotype-positive family members were similarly affected with a VWD Type 2B phenotype, the patients harbored other variants in cis, including p.Arg1306Trp, which has been classified as Pathogenic by the ClinGen VWD VCEP (BP5). The variant has also been observed in at least three control individuals (PMID: 22197721). The computational predictor REVEL gives a score of 0.149, which is below the ClinGen VWD VCEP threshold of <0.290 and does not predict a damaging effect on VWF function (BP4). Additionally, the computational splicing predictor SpliceAI indicated that the variant has no impact on splicing. RIPA studies indicate that this variant does not contribute to enhanced ristocetin-induced platelet aggregation and that another variant found in the same patient was responsible instead (PMID: 16115133). The Grpmax filtering allele frequency in gnomAD v4.1 is 0.01529 (based on 1200/74796 alleles, with 10 homozygotes) in the African/African-American population, which is above the ClinGen VWD VCEP threshold (>0.01) for BS1. In summary, the variant meets the criteria to be classified as likely benign based on the ACMG/AMP criteria applied, as specified by the ClinGen VWD VCEP: BS1, BP5, BP4.

CeGaT Center for Human Genetics Tuebingen
Classification: Benign. Last evaluated: 2026-02-01. Review status: criteria provided, single submitter. Criteria: CeGaT Center For Human Genetics Tuebingen Variant Classification Criteria Version 2. Collection method: clinical testing. Allele origin: germline. Affected: yes. Observed: 2 variant alleles. Not counted in ClinVar's aggregate classification.
Comment: VWF: BP4, BS1, BS2

ARUP Laboratories, Molecular Genetics and Genomics, ARUP Laboratories
Classification: Benign. Last evaluated: 2025-07-30. Review status: criteria provided, single submitter. Criteria: ARUP Molecular Germline Variant Investigation Process 2024. Collection method: clinical testing. Allele origin: germline. Not counted in ClinVar's aggregate classification.

Blueprint Genetics
Classification: Likely benign. Last evaluated: 2024-11-27. Review status: criteria provided, single submitter. Criteria: ACMG Guidelines, 2015. Collection method: clinical testing. Allele origin: germline. Not counted in ClinVar's aggregate classification.

Mayo Clinic Laboratories, Mayo Clinic
Classification: Likely benign. Last evaluated: 2023-07-17. Review status: criteria provided, single submitter. Criteria: ACMG Guidelines, 2015. Collection method: clinical testing. Allele origin: germline. Observed: 5 variant alleles. Not counted in ClinVar's aggregate classification.
Comment: BP3, BP4, PM1_supporting

Laboratory of Hematology, Radboud University Medical Center
Classification: Uncertain significance for von Willebrand disease type 1. Last evaluated: 2021-04-21. Review status: criteria provided, single submitter. Criteria: ACMG Guidelines, 2015. Collection method: research. Allele origin: germline. Affected: yes. Observed: 1 variant allele. Study: WIN study. Not counted in ClinVar's aggregate classification.

Laboratory of Hematology, Radboud University Medical Center
Classification: Uncertain significance for von Willebrand disease type 3. Last evaluated: 2021-04-21. Review status: criteria provided, single submitter. Criteria: ACMG Guidelines, 2015. Collection method: research. Allele origin: germline. Affected: yes. Observed: 1 variant allele. Study: WIN study. Not counted in ClinVar's aggregate classification.

Laboratory of Hematology, Radboud University Medical Center
Classification: Uncertain significance for von Willebrand disease type 2. Last evaluated: 2021-04-21. Review status: criteria provided, single submitter. Criteria: ACMG Guidelines, 2015. Collection method: research. Allele origin: germline. Affected: yes. Observed: 1 variant allele. Study: WIN study. Not counted in ClinVar's aggregate classification.

GeneDx
Classification: Likely benign. Last evaluated: 2021-04-03. Review status: criteria provided, single submitter. Criteria: GeneDx Variant Classification Process June 2021. Collection method: clinical testing. Allele origin: germline. Affected: yes. Not counted in ClinVar's aggregate classification.
Comment: See Variant Classification Assertion Criteria.

Quest Diagnostics Nichols Institute San Juan Capistrano
Classification: Benign. Last evaluated: 2020-04-30. Review status: criteria provided, single submitter. Criteria: Quest Diagnostics criteria. Collection method: clinical testing. Allele origin: unknown. Not counted in ClinVar's aggregate classification.

NIHR Bioresource Rare Diseases, University of Cambridge
Classification: Uncertain significance for Abnormality of coagulation. Last evaluated: 2019-02-01. Review status: criteria provided, single submitter. Criteria: ACMG Guidelines, 2015. Collection method: research. Allele origin: unknown. Affected: yes. Observed: 1 compound heterozygote. Study: ThromboGenomics. Not counted in ClinVar's aggregate classification.

Genetic Services Laboratory, University of Chicago
Classification: Benign. Last evaluated: 2018-08-03. Review status: criteria provided, single submitter. Criteria: ACMG Guidelines, 2015. Collection method: clinical testing. Allele origin: germline. Affected: no. Not counted in ClinVar's aggregate classification.

PreventionGenetics, part of Exact Sciences
Classification: Likely benign. Review status: criteria provided, single submitter. Criteria: ACMG Guidelines, 2015. Collection method: clinical testing. Allele origin: germline. Not counted in ClinVar's aggregate classification.

Academic Unit of Haematology, University of Sheffield
No classification provided. Review status: no classification provided. Collection method: not provided. Allele origin: not provided. Not counted in ClinVar's aggregate classification.

ISTH-SSC Genomics in Thrombosis and Hemostasis, KU Leuven, Center for Molecular and Vascular Biology
Classification: Uncertain significance for von Willebrand disorder. Review status: no assertion criteria provided. Collection method: research. Allele origin: unknown. Affected: yes. Not counted in ClinVar's aggregate classification.
Comment: Submitted to GoldVariant by Dr Karyn Mégy from NIHR Bioresource - Cambridge University, UK

Literature cited by the submitters: PubMed 31064749 (cited by Quest Diagnostics Nichols Institute San Juan Capistrano and NIHR Bioresource Rare Diseases, University of Cambridge); PubMed 17190853 (cited by Quest Diagnostics Nichols Institute San Juan Capistrano); PubMed 22197721 (cited by Quest Diagnostics Nichols Institute San Juan Capistrano); PubMed 16115133 (cited by Quest Diagnostics Nichols Institute San Juan Capistrano).